The following is an entry in ClinVar:

NM_014822.4(SEC24D):c.1597C>T (p.Gln533Ter)

Gene: SEC24D (SEC24 homolog D, COPII component; minus strand). Cytogenetic location: 4q26.
Variant type: single nucleotide variant.
Coding change: c.1597C>T on transcript NM_014822.4 (MANE Select); coding-DNA position 1597, C replaced by T.
Protein change: p.Gln533Ter; replaces glutamine 533 with a stop codon.
Molecular consequence: nonsense.
Genome position (GRCh38, 1-based): chr4:118,752,713, G>A on the plus strand (C>T on the coding strand, the complement: SEC24D is on the minus strand). VCF-style: chr4-118752713-G-A. GRCh37 (hg19) VCF-style: chr4-119673868-G-A.
Other names: c.1600C>T, p.Gln534Ter (NM_001318066.2); short protein forms Q533*, Q534*.
Identifiers: ClinVar variation 4709154 (VCV004709154.1).

ClinVar aggregate classification (germline): Pathogenic (1 of 4 stars; one submission).

Submission:

Labcorp Genetics (formerly Invitae), Labcorp
Classification: Pathogenic. Last evaluated: 2025-04-17. Review status: criteria provided, single submitter. Criteria: Invitae Variant Classification Sherloc (09022015). Collection method: clinical testing. Allele origin: germline.
Comment: This sequence change creates a premature translational stop signal (p.Gln533*) in the SEC24D gene. It is expected to result in an absent or disrupted protein product. Loss-of-function variants in SEC24D are known to be pathogenic (PMID: 25683121, 30462379). This variant is not present in population databases (gnomAD no frequency). This variant has not been reported in the literature in individuals affected with SEC24D-related conditions. For these reasons, this variant has been classified as Pathogenic.

Literature cited by the submitters: PubMed 25683121; PubMed 30462379.